The following is an entry in ClinVar:

ClinVar aggregate classification (germline): Uncertain significance (1 of 4 stars; one submission).

gnomAD v4.1: 4 of 1,577,332 alleles (0.00025%); highest among the groups gnomAD compares: Admixed American, 0.0054%; no homozygotes.

Submission:

Labcorp Genetics (formerly Invitae), Labcorp
Classification: Uncertain significance. Last evaluated: 2025-03-20. Review status: criteria provided, single submitter. Criteria: Invitae Variant Classification Sherloc (09022015). Collection method: clinical testing. Allele origin: germline.
Comment: This sequence change replaces isoleucine, which is neutral and non-polar, with methionine, which is neutral and non-polar, at codon 1374 of the ABCC8 protein (p.Ile1374Met). This variant is present in population databases (no rsID available, gnomAD 0.01%). This variant has not been reported in the literature in individuals affected with ABCC8-related conditions. An algorithm developed to predict the effect of missense changes on protein structure and function (PolyPhen-2) suggests that this variant is likely to be disruptive. In summary, the available evidence is currently insufficient to determine the role of this variant in disease. Therefore, it has been classified as a Variant of Uncertain Significance.

NM_000352.6(ABCC8):c.4122C>G (p.Ile1374Met)

Gene: ABCC8 (ATP binding cassette subfamily C member 8; minus strand). Cytogenetic location: 11p15.1.
Variant type: single nucleotide variant.
Coding change: c.4122C>G on transcript NM_000352.6 (MANE Select); coding-DNA position 4122, C replaced by G.
Protein change: p.Ile1374Met; replaces isoleucine 1374 with methionine.
Molecular consequence: missense variant. On other transcripts: non-coding transcript variant (1).
Genome position (GRCh38, 1-based): chr11:17,395,928, G>C on the plus strand (C>G on the coding strand, the complement: ABCC8 is on the minus strand). VCF-style: chr11-17395928-G-C. GRCh37 (hg19) VCF-style: chr11-17417475-G-C.
Other names: c.4125C>G, p.Ile1375Met (NM_001287174.3); c.4188C>G, p.Ile1396Met (NM_001351295.2); c.4122C>G, p.Ile1374Met (NM_001351296.2); c.4119C>G, p.Ile1373Met (NM_001351297.2); short protein forms I1375M, I1374M, I1373M, I1396M.
Identifiers: ClinVar variation 3714384 (VCV003714384.2).